The following is an entry in ClinVar:

NM_024876.4(COQ8B):c.520_521inv (p.His174Cys)

Gene: COQ8B (coenzyme Q8B; minus strand). Cytogenetic location: 19q13.2.
Variant type: Inversion.
Coding change: c.520_521inv on transcript NM_024876.4 (MANE Select).
Protein change: p.His174Cys; replaces histidine 174 with cysteine.
Molecular consequence: missense variant.
Genome position: GRCh38 VCF-style: chr19-40705151-TG-CA. GRCh37 (hg19) VCF-style: chr19-41211056-TG-CA.
Other names: p.His174Cys; c.397_398inv, p.His133Cys (NM_001142555.3); c.520_521delinsTG (NM_024876.4, NM_024876.3); short protein forms H174C, H133C.
Identifiers: ClinVar variation 1349347 (VCV001349347.7), ClinGen allele CA2573156378.

ClinVar aggregate classification (germline): Uncertain significance. Review status: criteria provided, multiple submitters, no conflicts (2 of 4 stars). 3 submissions from 3 submitters: Uncertain significance (3). Last evaluated 2025-12-15.

Submissions (3):

Labcorp Genetics (formerly Invitae), Labcorp
Classification: Uncertain significance. Last evaluated: 2025-12-15. Review status: criteria provided, single submitter. Criteria: Invitae Variant Classification Sherloc (09022015). Collection method: clinical testing. Allele origin: germline.
Comment: This sequence change replaces histidine, which is basic and polar, with cysteine, which is neutral and slightly polar, at codon 174 of the COQ8B protein (p.His174Cys). This variant is present in population databases (no rsID available, gnomAD 0.05%), and has an allele count higher than expected for a pathogenic variant. This variant has not been reported in the literature in individuals affected with COQ8B-related conditions. ClinVar contains an entry for this variant (Variation ID: 1349347). An algorithm developed to predict the effect of missense changes on protein structure and function (PolyPhen-2) suggests that this variant is likely to be tolerated. In summary, the available evidence is currently insufficient to determine the role of this variant in disease. Therefore, it has been classified as a Variant of Uncertain Significance.

GeneDx
Classification: Uncertain significance. Last evaluated: 2025-06-11. Review status: criteria provided, single submitter. Criteria: GeneDx Variant Classification Process June 2021. Collection method: clinical testing. Allele origin: germline. Affected: yes.
Comment: In silico analysis suggests that this variant does not alter protein structure/function; Has not been previously published as pathogenic or benign to our knowledge

Mayo Clinic Laboratories, Mayo Clinic
Classification: Uncertain significance. Last evaluated: 2024-03-18. Review status: criteria provided, single submitter. Criteria: ACMG Guidelines, 2015. Collection method: clinical testing. Allele origin: germline. Observed: 3 variant alleles.
Comment: PM2_moderate